The following is an entry in ClinVar:

ClinVar aggregate classification (germline): Uncertain significance (1 of 4 stars; one submission).

Conditions:
Neonatal-onset encephalopathy with rigidity and seizures. Also called: Lethal neonatal spasticity-epileptic encephalopathy syndrome. Identifiers: Orphanet 435845, MedGen C3281029, MONDO:0013784, OMIM 614498.

Allele frequency attached by ClinVar (database versions not stated): gnomAD exomes below 0.00001; ExAC 0.00001; TOPMed 0.00001.
gnomAD v4.1: 1 of 1,610,042 alleles (0.000062%); highest among the groups gnomAD compares: Admixed American, 0.0017%; no homozygotes.

Submission:

Labcorp Genetics (formerly Invitae), Labcorp
Classification: Uncertain significance for Neonatal-onset encephalopathy with rigidity and seizures. Last evaluated: 2022-06-27. Review status: criteria provided, single submitter. Criteria: Invitae Variant Classification Sherloc (09022015). Collection method: clinical testing. Allele origin: germline.
Comment: This sequence change replaces glycine, which is neutral and non-polar, with arginine, which is basic and polar, at codon 765 of the BRAT1 protein (p.Gly765Arg). The frequency data for this variant in the population databases is considered unreliable, as metrics indicate poor data quality at this position in the gnomAD database. This variant has not been reported in the literature in individuals affected with BRAT1-related conditions. Algorithms developed to predict the effect of missense changes on protein structure and function are either unavailable or do not agree on the potential impact of this missense change (SIFT: "Deleterious"; PolyPhen-2: "Possibly Damaging"; Align-GVGD: "Class C0"). In summary, the available evidence is currently insufficient to determine the role of this variant in disease. Therefore, it has been classified as a Variant of Uncertain Significance.

NM_152743.4(BRAT1):c.2293G>A (p.Gly765Arg)

Gene: BRAT1 (BRCA1 associated ATM activator 1; minus strand). Cytogenetic location: 7p22.3.
Variant type: single nucleotide variant.
Coding change: c.2293G>A on transcript NM_152743.4 (MANE Select); coding-DNA position 2293, G replaced by A.
Protein change: p.Gly765Arg; replaces glycine 765 with arginine.
Molecular consequence: missense variant. On other transcripts: non-coding transcript variant (1).
Genome position (GRCh38, 1-based): chr7:2,538,242, C>T on the plus strand (G>A on the coding strand, the complement: BRAT1 is on the minus strand). VCF-style: chr7-2538242-C-T. GRCh37 (hg19) VCF-style: chr7-2577876-C-T.
Other names: c.2473G>A, p.Gly825Arg (NM_001350626.2); c.1768G>A, p.Gly590Arg (NM_001350627.2); short protein forms G590R, G765R, G825R.
Identifiers: ClinVar variation 1401779 (VCV001401779.6), dbSNP rs753480934, ClinGen allele CA4127400.